The following is an entry in ClinVar:

ClinVar aggregate classification (germline): Benign/Likely benign. Review status: criteria provided, multiple submitters, no conflicts (2 of 4 stars). 12 submissions from 7 submitters: Benign (4); Likely benign (6). 2 of the submissions do not count toward it. Last evaluated 2026-01-09.

Conditions:
PRPH2-related disorder. Also called: PRPH2-related disorders; PRPH2-related condition. Identifiers: MedGen CN239395.
Cone-rod dystrophy. Also called: Cone-rod degeneration; Cone/cone-rod dystrophy. Identifiers: Orphanet 1872, MedGen C4085590, MONDO:0015993, HP:0000548.
Adult-onset foveomacular vitelliform dystrophy. Also called: FOVEOMACULAR DYSTROPHY, ADULT-ONSET; FOVEOMACULAR DYSTROPHY, ADULT-ONSET, WITH OR WITHOUT CHOROIDAL NEOVASCULARIZATION; Adult onset vitelliform dystrophy. Identifiers: Orphanet 99000, MedGen C1842914, MONDO:0011979.
Retinitis pigmentosa (RP). Identifiers: Orphanet 791, MedGen C0035334, MeSH D012174, MONDO:0019200, OMIM 268000. Inheritance: Autosomal dominant, autosomal recessive and X linked inheritance.
Patterned macular dystrophy 1. Also called: BUTTERFLY DYSTROPHY OF RETINAL PIGMENT EPITHELIUM; MACULAR DYSTROPHY, BUTTERFLY-SHAPED PIGMENTARY. Identifiers: Orphanet 99001, MedGen C4551999, MONDO:0008210, OMIM 169150.
Choroidal dystrophy, central areolar 2 (CACD2). Also called: MACULAR DYSTROPHY, PROGRESSIVE; Choriodal Dystrophy, Central Areolar 2. Identifiers: Orphanet 75377, MedGen C2751290, MONDO:0013137, OMIM 613105.
Pigmentary retinal dystrophy. Also called: Fundus albipunctatus. Identifiers: Orphanet 227796, Orphanet 52427, MedGen C0311338, MONDO:0007639, OMIM 136880, HP:0030642.

Allele frequency attached by ClinVar (database versions not stated): gnomAD exomes 0.00045 and 0.00107; ExAC 0.00139; gnomAD 0.00393 and 0.00414; TOPMed 0.00431; ESP Exome Variant Server 0.00523; 1000 Genomes Project 30x 0.00562; 1000 Genomes Project 0.00599.
gnomAD v4.1: 1,284 of 1,614,176 alleles (0.08%); highest among the groups gnomAD compares: African/African-American, 1.4%; 5 homozygotes.

Submissions (12):

Labcorp Genetics (formerly Invitae), Labcorp
Classification: Benign for PRPH2-related disorder. Last evaluated: 2026-01-09. Review status: criteria provided, single submitter. Criteria: Invitae Variant Classification Sherloc (09022015). Collection method: clinical testing. Allele origin: germline.

Blueprint Genetics
Classification: Likely benign. Last evaluated: 2024-11-13. Review status: criteria provided, single submitter. Criteria: ACMG Guidelines, 2015. Collection method: clinical testing. Allele origin: germline.

Mendelics
Classification: Likely benign for Patterned macular dystrophy 1. Last evaluated: 2023-03-17. Review status: criteria provided, single submitter. Criteria: Mendelics Assertion Criteria 2017. Collection method: clinical testing. Allele origin: unknown.

GeneDx
Classification: Likely benign. Last evaluated: 2021-05-27. Review status: criteria provided, single submitter. Criteria: GeneDx Variant Classification Process June 2021. Collection method: clinical testing. Allele origin: germline. Affected: yes.
Comment: This variant is associated with the following publications: (PMID: 11139241, 28492530, 20213611, 27884173, 20981092, 8956033)

Illumina Laboratory Services, Illumina
Classification: Likely benign for Pigmentary retinal dystrophy. Last evaluated: 2017-04-28. Review status: criteria provided, single submitter. Criteria: ICSL Variant Classification Criteria 13 December 2019. Collection method: clinical testing. Allele origin: germline.
Comment: This variant was observed as part of a predisposition screen in an ostensibly healthy population. A literature search was performed for the gene, cDNA change, and amino acid change (where applicable). No publications were found based on this search. Allele frequency data from public databases allowed determination this variant is unlikely to cause disease. Therefore, this variant is classified as likely benign.

Illumina Laboratory Services, Illumina
Classification: Likely benign for Patterned macular dystrophy 1. Last evaluated: 2017-04-28. Review status: criteria provided, single submitter. Criteria: ICSL Variant Classification Criteria 13 December 2019. Collection method: clinical testing. Allele origin: germline.
Comment: the same text as in the submission from Illumina Laboratory Services, Illumina above.

Illumina Laboratory Services, Illumina
Classification: Benign for Retinitis pigmentosa. Last evaluated: 2017-04-28. Review status: criteria provided, single submitter. Criteria: ICSL Variant Classification Criteria 13 December 2019. Collection method: clinical testing. Allele origin: germline.
Comment: This variant was observed as part of a predisposition screen in an ostensibly healthy population. A literature search was performed for the gene, cDNA change, and amino acid change (where applicable). No publications were found based on this search. Allele frequency data from public databases was too high to be consistent with this variant causing disease. Therefore, this variant is classified as benign.

Illumina Laboratory Services, Illumina
Classification: Likely benign for Choroidal dystrophy, central areolar 2. Last evaluated: 2017-04-28. Review status: criteria provided, single submitter. Criteria: ICSL Variant Classification Criteria 13 December 2019. Collection method: clinical testing. Allele origin: germline.
Comment: the same text as in the submission from Illumina Laboratory Services, Illumina above.

Illumina Laboratory Services, Illumina
Classification: Benign for Vitelliform macular dystrophy 3. Last evaluated: 2017-04-28. Review status: criteria provided, single submitter. Criteria: ICSL Variant Classification Criteria 13 December 2019. Collection method: clinical testing. Allele origin: germline.
Comment: the same text as in the submission from Illumina Laboratory Services, Illumina above.

Illumina Laboratory Services, Illumina
Classification: Benign for Cone-rod dystrophy. Last evaluated: 2017-04-28. Review status: criteria provided, single submitter. Criteria: ICSL Variant Classification Criteria 13 December 2019. Collection method: clinical testing. Allele origin: germline.
Comment: the same text as in the submission from Illumina Laboratory Services, Illumina above.

Leiden Open Variation Database
Classification: Uncertain significance. Last evaluated: 2021-04-06. Review status: no assertion criteria provided. Collection method: curation. Allele origin: germline. Affected: yes. Not counted in ClinVar's aggregate classification.
Comment: Curator: Global Variome, with Curator vacancy. Submitters to LOVD: Julia Lopez, Manon Peeters. Comment: Variant observed de novo.

Retina International
No classification provided. Review status: no classification provided. Collection method: not provided. Allele origin: not provided. Not counted in ClinVar's aggregate classification.

Literature cited by the submitters: PubMed 11139241 (cited by Leiden Open Variation Database); PubMed 16799052 (cited by Leiden Open Variation Database); PubMed 20213611 (cited by Leiden Open Variation Database); PubMed 27884173 (cited by Leiden Open Variation Database); PubMed 28492530 (cited by Leiden Open Variation Database); PubMed 32717343 (cited by Leiden Open Variation Database).

NM_000322.5(PRPH2):c.133C>T (p.Leu45Phe)

Gene: PRPH2 (peripherin 2; minus strand). Cytogenetic location: 6p21.1.
Variant type: single nucleotide variant.
Coding change: c.133C>T on transcript NM_000322.5 (MANE Select); coding-DNA position 133, C replaced by T.
Protein change: p.Leu45Phe; replaces leucine 45 with phenylalanine.
Molecular consequence: missense variant.
Genome position (GRCh38, 1-based): chr6:42,722,202, G>A on the plus strand (C>T on the coding strand, the complement: PRPH2 is on the minus strand). VCF-style: chr6-42722202-G-A. GRCh37 (hg19) VCF-style: chr6-42689940-G-A.
Other names: short protein forms L45F.
Identifiers: ClinVar variation 98653 (VCV000098653.24), dbSNP rs61755770, ClinGen allele CA226207.